The following is an entry in ClinVar:

ClinVar aggregate classification (germline): Benign/Likely benign. Review status: criteria provided, multiple submitters, no conflicts (2 of 4 stars). 3 submissions from 3 submitters: Benign (1); Likely benign (2). Last evaluated 2025-03-13.

Conditions:
Pheochromocytoma/paraganglioma syndrome 4. Also called: CAROTID BODY TUMORS AND MULTIPLE EXTRAADRENAL PHEOCHROMOCYTOMAS; PARAGANGLIOMA, FAMILIAL MALIGNANT; PARAGANGLIOMAS, HEREDITARY EXTRAADRENAL; PHEOCHROMOCYTOMA, FAMILIAL EXTRAADRENAL; Paragangliomas 4; SDHB-Related Hereditary Paraganglioma-Pheochromocytoma Syndrome (Paragangliomas 4). Identifiers: Orphanet 29072, MedGen C1861848, MONDO:0007273, OMIM 115310.
Hereditary cancer-predisposing syndrome. Also called: Tumor predisposition; Hereditary Cancer Syndrome; Hereditary neoplastic syndrome; Neoplastic Syndromes, Hereditary. Identifiers: Orphanet 140162, MedGen C0027672, MeSH D009386, MONDO:0015356.
Pheochromocytoma. Also called: MAX-Related Hereditary Paraganglioma-Pheochromocytoma Syndrome. Identifiers: Orphanet 29072, MedGen C0031511, MONDO:0008233, OMIM 171300, HP:0002666.
Gastrointestinal stromal tumor. Also called: Gastrointestinal stroma tumor; Gastrointestinal stromal tumor, somatic. Identifiers: Orphanet 44890, MedGen C0238198, MeSH D046152, MONDO:0011719, OMIM 606764, HP:0100723.

Submissions (3):

Myriad Genetics, Inc.
Classification: Benign for Pheochromocytoma/paraganglioma syndrome 4. Last evaluated: 2025-03-13. Review status: criteria provided, single submitter. Criteria: Myriad Autosomal Dominant, Autosomal Recessive and X-Linked Classification Criteria (2023). Collection method: clinical testing. Allele origin: unknown.
Comment: This variant is considered benign. This variant is a silent/synonymous amino acid change and it is not expected to impact splicing.

Labcorp Genetics (formerly Invitae), Labcorp
Classification: Likely benign for Gastrointestinal stromal tumor; Pheochromocytoma/paraganglioma syndrome 4; Pheochromocytoma. Last evaluated: 2024-06-17. Review status: criteria provided, single submitter. Criteria: Invitae Variant Classification Sherloc (09022015). Collection method: clinical testing. Allele origin: germline.

Ambry Genetics
Classification: Likely benign for Hereditary cancer-predisposing syndrome. Last evaluated: 2023-02-12. Review status: criteria provided, single submitter. Criteria: Ambry Variant Classification Scheme 2023. Collection method: clinical testing. Allele origin: germline.

NM_003000.3(SDHB):c.537A>G (p.Lys179=)

Gene: SDHB (succinate dehydrogenase complex iron sulfur subunit B; minus strand). Cytogenetic location: 1p36.13.
Variant type: single nucleotide variant.
Coding change: c.537A>G on transcript NM_003000.3 (MANE Select); coding-DNA position 537, A replaced by G.
Protein change: p.Lys179=; no amino-acid change (lysine 179 retained).
Molecular consequence: synonymous variant.
Genome position (GRCh38, 1-based): chr1:17,027,752, T>C on the plus strand (A>G on the coding strand, the complement: SDHB is on the minus strand). VCF-style: chr1-17027752-T-C. GRCh37 (hg19) VCF-style: chr1-17354247-T-C.
Other names: c.483A>G, p.Lys161= (NM_001407361.1).
Identifiers: ClinVar variation 2035196 (VCV002035196.7), dbSNP rs2525017417, ClinGen allele CA416085645.